The following is an entry in ClinVar:

ClinVar aggregate classification (germline): Pathogenic/Likely pathogenic. Review status: criteria provided, multiple submitters, no conflicts (2 of 4 stars). 2 submissions from 2 submitters: Pathogenic (1); Likely pathogenic (1). Last evaluated 2024-09-29.

Conditions:
Colorectal cancer. Also called: Malignant Colorectal Neoplasm; Colorectal cancer, somatic. Identifiers: MedGen C0346629, MONDO:0005575, OMIM 114500.
Oligodontia-cancer predisposition syndrome. Also called: TOOTH AGENESIS-COLORECTAL CANCER SYNDROME. Identifiers: Orphanet 300576, MedGen C1837750, MONDO:0012075, OMIM 608615. Disease mechanism: loss of function.

Submissions (2):

Labcorp Genetics (formerly Invitae), Labcorp
Classification: Pathogenic for Oligodontia-cancer predisposition syndrome. Last evaluated: 2024-09-29. Review status: criteria provided, single submitter. Criteria: Invitae Variant Classification Sherloc (09022015). Collection method: clinical testing. Allele origin: germline.
Comment: This sequence change creates a premature translational stop signal (p.Glu384*) in the AXIN2 gene. It is expected to result in an absent or disrupted protein product. Loss-of-function variants in AXIN2 are known to be pathogenic (PMID: 15042511, 21416598). This variant is not present in population databases (gnomAD no frequency). This variant has not been reported in the literature in individuals affected with AXIN2-related conditions. For these reasons, this variant has been classified as Pathogenic.

Baylor Genetics
Classification: Likely pathogenic for Colorectal cancer. Last evaluated: 2022-12-06. Review status: criteria provided, single submitter. Criteria: ACMG Guidelines, 2015. Collection method: clinical testing. Allele origin: unknown.

Literature cited by the submitters: PubMed 15042511 (cited by Labcorp Genetics (formerly Invitae), Labcorp); PubMed 21416598 (cited by Labcorp Genetics (formerly Invitae), Labcorp).

NM_004655.4(AXIN2):c.1150G>T (p.Glu384Ter)

Gene: AXIN2 (axin 2; minus strand). Cytogenetic location: 17q24.1.
Variant type: single nucleotide variant.
Coding change: c.1150G>T on transcript NM_004655.4 (MANE Select); coding-DNA position 1150, G replaced by T.
Protein change: p.Glu384Ter; replaces glutamic acid 384 with a stop codon.
Molecular consequence: nonsense.
Genome position (GRCh38, 1-based): chr17:65,538,253, C>A on the plus strand (G>T on the coding strand, the complement: AXIN2 is on the minus strand). VCF-style: chr17-65538253-C-A. GRCh37 (hg19) VCF-style: chr17-63534371-C-A.
Other names: c.1150G>T, p.Glu384Ter (NM_001363813.1); short protein forms E384*.
Identifiers: ClinVar variation 2679887 (VCV002679887.3), dbSNP rs2144477057, ClinGen allele CA400678314.